The following is an entry in ClinVar:

NM_001360016.2(G6PD):c.1342A>G (p.Ser448Gly)

Gene: G6PD (glucose-6-phosphate dehydrogenase; minus strand). Cytogenetic location: Xq28.
Variant type: single nucleotide variant.
Coding change: c.1342A>G on transcript NM_001360016.2 (MANE Select); coding-DNA position 1342, A replaced by G.
Protein change: p.Ser448Gly; replaces serine 448 with glycine.
Molecular consequence: missense variant.
Genome position (GRCh38, 1-based): chrX:154,532,408, T>C on the plus strand (A>G on the coding strand, the complement: G6PD is on the minus strand). VCF-style: chrX-154532408-T-C. GRCh37 (hg19) VCF-style: chrX-153760623-T-C.
Other names: G6PD Haweia; G6PD S. Antioco; c.1432A>G, p.Ser478Gly (NM_000402.4); c.1342A>G, p.Ser448Gly (NM_001042351.3); short protein forms S448G, S478G.
Identifiers: ClinVar variation 1722626 (VCV001722626.2), dbSNP rs2523261790, ClinGen allele CA415233669.

ClinVar aggregate classification (germline): Likely pathogenic (1 of 4 stars; one submission).

Conditions:
Anemia, nonspherocytic hemolytic, due to G6PD deficiency (CNSHA1). Also called: Hemolytic anemia due to G6PD deficiency; Class I glucose-6-phosphate dehydrogenase deficiency; Favism, susceptibility to; ANEMIA, CONGENITAL, NONSPHEROCYTIC HEMOLYTIC, 1. Identifiers: Orphanet 466026, MedGen C2720289, MONDO:0010480, OMIM 300908.

Allele frequency attached by ClinVar (database versions not stated): gnomAD exomes below 0.00001.
gnomAD v4.1: 1 of 1,211,587 alleles (0.000083%); highest among the groups gnomAD compares: Non-Finnish European, 0.00011%; no homozygotes.

Submission:

Dunham Lab, University of Washington
Classification: Likely pathogenic for Anemia, nonspherocytic hemolytic, due to G6PD deficiency. Last evaluated: 2022-08-12. Review status: criteria provided, single submitter. Criteria: Bayesian ACMG Guidelines, 2018. Collection method: curation. Allele origin: unknown. Affected: yes.
Comment: Variant found in unrelated hemizygotes with G6PD deficiency, favism, and anemia (PP4, PS4_M). Decreased activity in red blood cells (5%) (PS3). Not observed in gnomAD (PM2). Post_P 0.988 (odds of pathogenicity 729.3, Prior_P 0.1).

Literature cited by the submitters: PubMed 8611726; DOI 10.3923/pjbs.2006.1605.1616.